The following is an entry in ClinVar:

NM_001378687.1(ATP2C1):c.457C>T (p.Arg153Ter)

Gene: ATP2C1 (ATPase secretory pathway Ca2+ transporting 1; plus strand). Cytogenetic location: 3q22.1.
Variant type: single nucleotide variant.
Coding change: c.457C>T on transcript NM_001378687.1 (MANE Select); coding-DNA position 457, C replaced by T.
Protein change: p.Arg153Ter; replaces arginine 153 with a stop codon.
Molecular consequence: nonsense.
Genome position (GRCh38, 1-based): chr3:130,941,625, C>T. VCF-style: chr3-130941625-C-T. GRCh37 (hg19) VCF-style: chr3-130660469-C-T.
Other names: c.457C>T, p.Arg153Ter (NM_001001485.3, NM_001001486.2, NM_001001487.2 and 5 more transcripts); c.559C>T, p.Arg187Ter (NM_001199180.2, NM_001199181.3, NM_001378511.1); c.442C>T, p.Arg148Ter (NM_001199182.2); c.409C>T, p.Arg137Ter (NM_001199183.2, NM_001199184.3, NM_001378514.1); short protein forms R148*, R187*, R153*, R137*.
Identifiers: ClinVar variation 816949 (VCV000816949.2), dbSNP rs776982434, ClinGen allele CA354535127.

ClinVar aggregate classification (germline): Pathogenic. Review status: criteria provided, multiple submitters, no conflicts (2 of 4 stars). 2 submissions from 2 submitters: Pathogenic (2). Last evaluated 2021-06-03.

Conditions:
ATP2C1-related disorder. Also called: ATP2C1-related condition.

Allele frequency attached by ClinVar (database versions not stated): TOPMed below 0.00001.
gnomAD v4.1: 4 of 1,613,838 alleles (0.00025%); highest among the groups gnomAD compares: African/African-American, 0.0013%; no homozygotes.

Submissions (2):

Blueprint Genetics
Classification: Pathogenic for ATP2C1-related disorders. Last evaluated: 2021-06-03. Review status: criteria provided, single submitter. Criteria: ACMG Guidelines, 2015. Collection method: clinical testing. Allele origin: germline. Affected: yes. Observed: 2 variant alleles.

GeneDx
Classification: Pathogenic. Last evaluated: 2019-03-01. Review status: criteria provided, single submitter. Criteria: GeneDx Variant Classification (06012015). Collection method: clinical testing. Allele origin: germline. Affected: yes.
Comment: The R153X nonsense variant in the ATP2C1 gene has been reported previously in association with Hailey-Hailey disease (Hu et al., 2000; Hamada et al., 2008). This variant is predicted to cause loss of normal protein function either through protein truncation or nonsense-mediated mRNA decay. The variant is not observed in large population cohorts (Lek et al., 2016). We interpret this variant as pathogenic.